The following is an entry in ClinVar:

ClinVar aggregate classification (germline): Likely benign. Review status: criteria provided, multiple submitters, no conflicts (2 of 4 stars). 2 submissions from 2 submitters: Likely benign (2). Last evaluated 2025-07-30.

Conditions:
Cardiovascular phenotype. Identifiers: MedGen CN230736.

gnomAD v4.1: 7 of 1,612,374 alleles (0.00043%); highest among the groups gnomAD compares: Admixed American, 0.0067%; no homozygotes.

Submissions (2):

Mayo Clinic Laboratories, Mayo Clinic
Classification: Likely benign. Last evaluated: 2025-07-30. Review status: criteria provided, single submitter. Criteria: ACMG Guidelines, 2015. Collection method: clinical testing. Allele origin: germline. Observed: 1 variant allele.
Comment: BP4, BP7

Ambry Genetics
Classification: Likely benign for Cardiovascular phenotype. Last evaluated: 2024-11-02. Review status: criteria provided, single submitter. Criteria: Ambry Variant Classification Scheme 2023. Collection method: clinical testing. Allele origin: germline.

NM_001365276.2(TNXB):c.4536C>T (p.Asp1512=)

Gene: TNXB (tenascin XB; minus strand). Cytogenetic location: 6p21.33.
Variant type: single nucleotide variant.
Coding change: c.4536C>T on transcript NM_001365276.2 (MANE Select); coding-DNA position 4536, C replaced by T.
Protein change: p.Asp1512=; no amino-acid change (aspartic acid 1512 retained).
Molecular consequence: synonymous variant.
Genome position (GRCh38, 1-based): chr6:32,073,792, G>A on the plus strand (C>T on the coding strand, the complement: TNXB is on the minus strand). VCF-style: chr6-32073792-G-A. GRCh37 (hg19) VCF-style: chr6-32041569-G-A.
Other names: p.Asp1512=; c.5277C>T, p.Asp1759= (NM_001428335.1); c.4536C>T, p.Asp1512= (NM_019105.8).
Identifiers: ClinVar variation 3459902 (VCV003459902.2).